The following is an entry in ClinVar:

ClinVar aggregate classification (germline): Uncertain significance. Review status: criteria provided, multiple submitters, no conflicts (2 of 4 stars). 4 submissions from 4 submitters: Uncertain significance (4). Last evaluated 2026-06-18.

Conditions:
SLC34A3-related disorder. Also called: SLC34A3-related condition.
Autosomal recessive hypophosphatemic bone disease (HHRH). Also called: HYPERCALCIURIC RICKETS; Hypophosphatemic rickets with hypercalciuria. Identifiers: Orphanet 157215, MedGen C1853271, MONDO:0009431, OMIM 241530.
Inborn genetic diseases. Identifiers: MedGen C0950123, MeSH D030342.

Allele frequency attached by ClinVar (database versions not stated): TOPMed 0.00014; gnomAD exomes 0.00017; ExAC 0.00031.
gnomAD v4.1: 261 of 1,604,582 alleles (0.016%); highest among the groups gnomAD compares: South Asian, 0.037%; no homozygotes.

Submissions (4):

PreventionGenetics, part of Exact Sciences
Classification: Uncertain significance for SLC34A3-related condition. Last evaluated: 2026-06-18. Review status: criteria provided, single submitter. Criteria: ACMG Guidelines, 2015. Collection method: clinical testing. Allele origin: germline.
Comment: The SLC34A3 c.688A>C variant is predicted to result in the amino acid substitution p.Thr230Pro. This variant has been reported in an individual with hypophosphataemia (Suppl Table 2. Rush et al. 2022. PubMed ID: 34633109). This variant is reported in 0.031% of alleles in individuals of European (Finnish) descent in gnomAD. At this time, the clinical significance of this variant is uncertain due to the absence of conclusive functional and genetic evidence.

Fulgent Genetics
Classification: Uncertain significance for Autosomal recessive hypophosphatemic bone disease. Last evaluated: 2024-03-06. Review status: criteria provided, single submitter. Criteria: ACMG Guidelines, 2015. Collection method: clinical testing. Allele origin: germline.

Ambry Genetics
Classification: Uncertain significance for Inborn genetic diseases. Last evaluated: 2022-12-28. Review status: criteria provided, single submitter. Criteria: Ambry Variant Classification Scheme 2023. Collection method: clinical testing. Allele origin: germline.

Labcorp Genetics (formerly Invitae), Labcorp
Classification: Uncertain significance. Last evaluated: 2022-10-05. Review status: criteria provided, single submitter. Criteria: Invitae Variant Classification Sherloc (09022015). Collection method: clinical testing. Allele origin: germline.
Comment: This sequence change replaces threonine, which is neutral and polar, with proline, which is neutral and non-polar, at codon 230 of the SLC34A3 protein (p.Thr230Pro). This variant is present in population databases (rs200507464, gnomAD 0.03%). This variant has not been reported in the literature in individuals affected with SLC34A3-related conditions. ClinVar contains an entry for this variant (Variation ID: 858478). Advanced modeling of protein sequence and biophysical properties (such as structural, functional, and spatial information, amino acid conservation, physicochemical variation, residue mobility, and thermodynamic stability) performed at Invitae indicates that this missense variant is not expected to disrupt SLC34A3 protein function. In summary, the available evidence is currently insufficient to determine the role of this variant in disease. Therefore, it has been classified as a Variant of Uncertain Significance.

NM_001177316.2(SLC34A3):c.688A>C (p.Thr230Pro)

Gene: SLC34A3 (solute carrier family 34 member 3; plus strand). Cytogenetic location: 9q34.3.
Variant type: single nucleotide variant.
Coding change: c.688A>C on transcript NM_001177316.2 (MANE Select); coding-DNA position 688, A replaced by C.
Protein change: p.Thr230Pro; replaces threonine 230 with proline.
Molecular consequence: missense variant.
Genome position (GRCh38, 1-based): chr9:137,233,336, A>C. VCF-style: chr9-137233336-A-C. GRCh37 (hg19) VCF-style: chr9-140127788-A-C.
Other names: c.688A>C, p.Thr230Pro (NM_001177317.2, NM_080877.3); short protein forms T230P.
Identifiers: ClinVar variation 858478 (VCV000858478.8), dbSNP rs200507464, ClinGen allele CA5364524.
Genomic context (GRCh38, chr9:137,233,336, plus strand): 5'-GAGAGCGCCACGGCCCTGCTGGAGAGGCTAAGTGAGCTAGCCCTGGGTGCCGCCAGCCTG[A>C]CACCCAGGGCGCAGGCGCCCGACATCCTCAAGGTGCTGACGAAGCCGCTCACACACCTCA-3'
Protein context (NP_001170787.2, residues 220-240): SELALGAASL[Thr230Pro]PRAQAPDILK